The following is an entry in ClinVar:

ClinVar aggregate classification (germline): Uncertain significance (1 of 4 stars; one submission).

Allele frequency attached by ClinVar (database versions not stated): gnomAD 0.00001; TOPMed 0.00001.
gnomAD v4.1: 6 of 1,613,758 alleles (0.00037%); highest among the groups gnomAD compares: South Asian, 0.0011%; no homozygotes.

Submission:

Labcorp Genetics (formerly Invitae), Labcorp
Classification: Uncertain significance. Last evaluated: 2020-10-01. Review status: criteria provided, single submitter. Criteria: Invitae Variant Classification Sherloc (09022015). Collection method: clinical testing. Allele origin: germline.
Comment: This variant has not been reported in the literature in individuals with SAG-related conditions. In summary, the available evidence is currently insufficient to determine the role of this variant in disease. Therefore, it has been classified as a Variant of Uncertain Significance. Algorithms developed to predict the effect of missense changes on protein structure and function output the following: SIFT: "Deleterious"; PolyPhen-2: "Benign"; Align-GVGD: "Class C0". The phenylalanine amino acid residue is found in multiple mammalian species, suggesting that this missense change does not adversely affect protein function. These predictions have not been confirmed by published functional studies and their clinical significance is uncertain. This variant is not present in population databases (ExAC no frequency). This sequence change replaces leucine with phenylalanine at codon 50 of the SAG protein (p.Leu50Phe). The leucine residue is moderately conserved and there is a small physicochemical difference between leucine and phenylalanine.

NM_000541.5(SAG):c.150G>T (p.Leu50Phe)

Gene: SAG (S-antigen visual arrestin; plus strand). Cytogenetic location: 2q37.1.
Variant type: single nucleotide variant.
Coding change: c.150G>T on transcript NM_000541.5 (MANE Select); coding-DNA position 150, G replaced by T.
Protein change: p.Leu50Phe; replaces leucine 50 with phenylalanine.
Molecular consequence: missense variant.
Genome position (GRCh38, 1-based): chr2:233,318,764, G>T. VCF-style: chr2-233318764-G-T. GRCh37 (hg19) VCF-style: chr2-234227410-G-T.
Other names: short protein forms L50F.
Identifiers: ClinVar variation 1007119 (VCV001007119.8), dbSNP rs1483109055, ClinGen allele CA351044475.